The following is an entry in ClinVar:

ClinVar aggregate classification (germline): Likely benign. Review status: criteria provided, single submitter (1 of 4 stars). 2 submissions from 2 submitters: Likely benign (1). 1 of the submissions does not count toward it. Last evaluated 2023-05-01.

Conditions:
NLRP2-related disorder. Also called: NLRP2-related condition.

Allele frequency attached by ClinVar (database versions not stated): 1000 Genomes Project 0.00080; 1000 Genomes Project 30x 0.00125; TOPMed 0.00149; ESP Exome Variant Server 0.00154; gnomAD 0.00162 and 0.00168; gnomAD exomes 0.00164 and 0.00188; ExAC 0.00165.
gnomAD v4.1: 2,987 of 1,613,930 alleles (0.19%); highest among the groups gnomAD compares: Admixed American, 0.21%; 5 homozygotes.

Submissions (2):

CeGaT Center for Human Genetics Tuebingen
Classification: Likely benign. Last evaluated: 2023-05-01. Review status: criteria provided, single submitter. Criteria: CeGaT Center For Human Genetics Tuebingen Variant Classification Criteria Version 2. Collection method: clinical testing. Allele origin: germline. Affected: yes. Observed: 3 variant alleles.
Comment: NLRP2: BP4

PreventionGenetics, part of Exact Sciences
Classification: Benign for NLRP2-related condition. Last evaluated: 2019-02-21. Review status: no assertion criteria provided. Collection method: clinical testing. Allele origin: germline. Not counted in ClinVar's aggregate classification.
Comment: This variant is classified as benign based on ACMG/AMP sequence variant interpretation guidelines (Richards et al. 2015 PMID: 25741868, with internal and published modifications).

NM_017852.5(NLRP2):c.1474G>A (p.Asp492Asn)

Gene: NLRP2 (NLR family pyrin domain containing 2; plus strand). Cytogenetic location: 19q13.42.
Variant type: single nucleotide variant.
Coding change: c.1474G>A on transcript NM_017852.5 (MANE Select); coding-DNA position 1474, G replaced by A.
Protein change: p.Asp492Asn; replaces aspartic acid 492 with asparagine.
Molecular consequence: missense variant. On other transcripts: non-coding transcript variant (1).
Genome position (GRCh38, 1-based): chr19:54,983,172, G>A. VCF-style: chr19-54983172-G-A. GRCh37 (hg19) VCF-style: chr19-55494540-G-A.
Other names: c.1408G>A, p.Asp470Asn (NM_001174082.3); c.1405G>A, p.Asp469Asn (NM_001174083.2); c.1465G>A, p.Asp489Asn (NM_001348003.2); c.1474G>A, p.Asp492Asn (NM_001174081.3); c.1474G>A (NM_001174081.2); short protein forms D469N, D470N, D489N, D492N.
Identifiers: ClinVar variation 1013402 (VCV001013402.39), dbSNP rs113204023, ClinGen allele CA310104782.